The following is an entry in ClinVar:

ClinVar aggregate classification (germline): Uncertain significance (1 of 4 stars; one submission).

Submission:

Ambry Genetics
Classification: Uncertain significance. Last evaluated: 2024-10-18. Review status: criteria provided, single submitter. Criteria: Ambry Variant Classification Scheme 2023. Collection method: clinical testing. Allele origin: germline.
Comment: The p.E1231K variant (also known as c.3691G>A), located in coding exon 4 of the ALPK2 gene, results from a G to A substitution at nucleotide position 3691. The glutamic acid at codon 1231 is replaced by lysine, an amino acid with similar properties. This amino acid position is conserved. In addition, this alteration is predicted to be tolerated by in silico analysis. Based on the available evidence, the clinical significance of this variant remains unclear.

NM_052947.4(ALPK2):c.3691G>A (p.Glu1231Lys)

Genes: ALPK2 (alpha kinase 2; minus strand), LOC126862764 (BRD4-independent group 4 enhancer GRCh37_chr18:56202574-56203773; plus strand). Cytogenetic location: 18q21.31.
Variant type: single nucleotide variant.
Coding change: c.3691G>A on transcript NM_052947.4 (MANE Select); coding-DNA position 3691, G replaced by A.
Protein change: p.Glu1231Lys; replaces glutamic acid 1231 with lysine.
Molecular consequence: missense variant.
Genome position (GRCh38, 1-based): chr18:58,536,496, C>T on the plus strand (G>A on the coding strand, the complement: ALPK2 is on the minus strand). VCF-style: chr18-58536496-C-T. GRCh37 (hg19) VCF-style: chr18-56203728-C-T.
Other names: short protein forms E1231K.
Identifiers: ClinVar variation 3529914 (VCV003529914.1).
Genomic context (GRCh38, chr18:58,536,496, plus strand): 5'-GTGGCCAGATTTCAGAAGCGGAAGCCTCTAGAGTTATAATCTTCAGCTTGTTGCCTGCCT[C>T]CCAATTTCCAGGTCTATATTCTTTAGACTCTTCCAAAAGGATATCAGAGAGAGATGGAAC-3'
Protein context (NP_443179.3, residues 1221-1241): ESKEYRPGNW[Glu1231Lys]AGNKLKIITL